The following is an entry in ClinVar:

ClinVar aggregate classification (germline): Uncertain significance. Review status: criteria provided, single submitter (1 of 4 stars). 2 submissions from 2 submitters: Uncertain significance (1). 1 of the submissions does not count toward it. Last evaluated 2025-08-09.

Conditions:
CEP170B-related disorder. Also called: CEP170B-related condition.

Allele frequency attached by ClinVar (database versions not stated): gnomAD exomes 0.00021; ExAC 0.00029; ESP Exome Variant Server 0.00105; gnomAD 0.00197; TOPMed 0.00229; 1000 Genomes Project 30x 0.00390; 1000 Genomes Project 0.00399.
gnomAD v4.1: 620 of 1,542,450 alleles (0.04%); highest among the groups gnomAD compares: African/African-American, 0.71%; 2 homozygotes.

Submissions (2):

Ambry Genetics
Classification: Uncertain significance. Last evaluated: 2025-08-09. Review status: criteria provided, single submitter. Criteria: Ambry Variant Classification Scheme 2023. Collection method: clinical testing. Allele origin: germline.

PreventionGenetics, part of Exact Sciences
Classification: Likely benign for CEP170B-related condition. Last evaluated: 2019-10-28. Review status: no assertion criteria provided. Collection method: clinical testing. Allele origin: germline. Not counted in ClinVar's aggregate classification.
Comment: This variant is classified as likely benign based on ACMG/AMP sequence variant interpretation guidelines (Richards et al. 2015 PMID: 25741868, with internal and published modifications).

NM_001112726.3(CEP170B):c.1543G>A (p.Ala515Thr)

Gene: CEP170B (centrosomal protein 170B; plus strand). Cytogenetic location: 14q32.33.
Variant type: single nucleotide variant.
Coding change: c.1543G>A on transcript NM_001112726.3 (MANE Select); coding-DNA position 1543, G replaced by A.
Protein change: p.Ala515Thr; replaces alanine 515 with threonine.
Molecular consequence: missense variant.
Genome position (GRCh38, 1-based): chr14:104,884,322, G>A. VCF-style: chr14-104884322-G-A. GRCh37 (hg19) VCF-style: chr14-105350659-G-A.
Other names: c.1333G>A, p.Ala445Thr (NM_015005.3); short protein forms A445T, A515T.
Identifiers: ClinVar variation 3041118 (VCV003041118.3), dbSNP rs2582554, ClinGen allele CA7375616.